The following is an entry in ClinVar:

ClinVar aggregate classification (germline): Uncertain significance (1 of 4 stars; one submission).

Conditions:
MAGEL2-related disorder. Also called: MAGEL2-related condition.

Submission:

PreventionGenetics, part of Exact Sciences
Classification: Uncertain significance for MAGEL2-related condition. Last evaluated: 2026-08-25. Review status: criteria provided, single submitter. Criteria: ACMG Guidelines, 2015. Collection method: clinical testing. Allele origin: germline.
Comment: The MAGEL2 c.1697T>C variant is predicted to result in the amino acid substitution p.Leu566Pro. To our knowledge, this variant has not been reported in the literature or in a large population database (gnomAD), indicating this variant is rare. At this time, the clinical significance of this variant is uncertain due to the absence of conclusive functional and genetic evidence.

NM_019066.5(MAGEL2):c.1697T>C (p.Leu566Pro)

Gene: MAGEL2 (MAGE family member L2; minus strand). Cytogenetic location: 15q11.2.
Variant type: single nucleotide variant.
Coding change: c.1697T>C on transcript NM_019066.5 (MANE Select); coding-DNA position 1697, T replaced by C.
Protein change: p.Leu566Pro; replaces leucine 566 with proline.
Molecular consequence: missense variant.
Genome position (GRCh38, 1-based): chr15:23,646,046, A>G on the plus strand (T>C on the coding strand, the complement: MAGEL2 is on the minus strand). VCF-style: chr15-23646046-A-G. GRCh37 (hg19) VCF-style: chr15-23891193-A-G.
Other names: short protein forms L566P.
Identifiers: ClinVar variation 5001980 (VCV005001980.1).